The following is an entry in ClinVar:

NM_001395413.1(POR):c.804C>A (p.Ser268Arg)

Gene: POR (cytochrome p450 oxidoreductase; plus strand). Cytogenetic location: 7q11.23.
Variant type: single nucleotide variant.
Coding change: c.804C>A on transcript NM_001395413.1 (MANE Select); coding-DNA position 804, C replaced by A.
Protein change: p.Ser268Arg; replaces serine 268 with arginine.
Molecular consequence: missense variant.
Genome position (GRCh38, 1-based): chr7:75,982,305, C>A. VCF-style: chr7-75982305-C-A. GRCh37 (hg19) VCF-style: chr7-75611623-C-A.
Other names: c.804C>A, p.Ser268Arg (NM_001367562.3, NM_001382657.2, NM_001382658.3 and 2 more transcripts); c.858C>A, p.Ser286Arg (NM_001382655.3); c.813C>A (NM_000941.2); short protein forms S268R, S286R.
Identifiers: ClinVar variation 1493810 (VCV001493810.7), dbSNP rs201598971, ClinGen allele CA4303836.

ClinVar aggregate classification (germline): Uncertain significance. Review status: criteria provided, multiple submitters, no conflicts (2 of 4 stars). 3 submissions from 3 submitters: Uncertain significance (3). Last evaluated 2022-07-13.

Conditions:
Congenital adrenal hyperplasia due to cytochrome P450 oxidoreductase deficiency. Also called: DISORDERED STEROIDOGENESIS DUE TO POR DEFICIENCY. Identifiers: Orphanet 95699, MedGen C1860042, MONDO:0013310, OMIM 613571.

Allele frequency attached by ClinVar (database versions not stated): ESP Exome Variant Server 0.00008.
gnomAD v4.1: 358 of 1,611,782 alleles (0.022%); highest among the groups gnomAD compares: Non-Finnish European, 0.029%; no homozygotes.

Submissions (3):

Blueprint Genetics
Classification: Uncertain significance. Last evaluated: 2022-07-13. Review status: criteria provided, single submitter. Criteria: ACMG Guidelines, 2015. Collection method: clinical testing. Allele origin: germline.

Women's Health and Genetics/Laboratory Corporation of America, LabCorp
Classification: Uncertain significance. Last evaluated: 2022-07-13. Review status: criteria provided, single submitter. Criteria: LabCorp Variant Classification Summary - May 2015. Collection method: clinical testing. Allele origin: germline.
Comment: Variant summary: POR c.813C>A (p.Ser271Arg) results in a non-conservative amino acid change in the encoded protein sequence. Four of four in-silico tools predict a damaging effect of the variant on protein function. The variant allele was found at a frequency of 4.9e-05 in 243866 control chromosomes. This frequency is not significantly higher than expected for a pathogenic variant in POR causing Congenital Adrenal Hyperplasia (4.9e-05 vs 0.00091), allowing no conclusion about variant significance. To our knowledge, no occurrence of c.813C>A in individuals affected with Congenital Adrenal Hyperplasia and no experimental evidence demonstrating its impact on protein function have been reported. One clinical diagnostic laboratory has submitted clinical-significance assessments for this variant to ClinVar after 2014 without evidence for independent evaluation. One laboratory classified the variant as uncertain significance. Based on the evidence outlined above, the variant was classified as uncertain significance.

Labcorp Genetics (formerly Invitae), Labcorp
Classification: Uncertain significance for Congenital adrenal hyperplasia due to cytochrome P450 oxidoreductase deficiency. Last evaluated: 2021-09-17. Review status: criteria provided, single submitter. Criteria: Invitae Variant Classification Sherloc (09022015). Collection method: clinical testing. Allele origin: germline.
Comment: This sequence change replaces serine with arginine at codon 271 of the POR protein (p.Ser271Arg). The serine residue is highly conserved and there is a moderate physicochemical difference between serine and arginine. This variant is present in population databases (rs201598971, ExAC 0.02%). This variant has not been reported in the literature in individuals affected with POR-related conditions. Algorithms developed to predict the effect of missense changes on protein structure and function (SIFT, PolyPhen-2, Align-GVGD) all suggest that this variant is likely to be disruptive. In summary, the available evidence is currently insufficient to determine the role of this variant in disease. Therefore, it has been classified as a Variant of Uncertain Significance.